The following is an entry in ClinVar:

ClinVar aggregate classification (germline): Pathogenic. Review status: reviewed by expert panel (3 of 4 stars). 17 submissions from 17 submitters: Pathogenic (1). 16 of the submissions do not count toward it. Last evaluated 2018-08-05.

Conditions:
PAH-related disorder. Also called: PAH-related condition.
Phenylketonuria (PKU). Also called: FOLLING DISEASE; OLIGOPHRENIA PHENYLPYRUVICA; Phenylketonurias; Phenylketonuria (PKU). Identifiers: Orphanet 716, MedGen C0031485, MONDO:0009861, OMIM 261600. Disease mechanism: loss of function.

Allele frequency attached by ClinVar (database versions not stated): gnomAD 0.00004 and 0.00005; ExAC 0.00007; TOPMed 0.00009; gnomAD exomes 0.00008 and 0.00004.
gnomAD v4.1: 60 of 1,613,504 alleles (0.0037%); highest among the groups gnomAD compares: Admixed American, 0.047%; no homozygotes.

Submissions 1 to 11 of 17:

ClinGen PAH Variant Curation Expert Panel
Classification: Pathogenic for Phenylketonuria. Last evaluated: 2018-08-05. Review status: reviewed by expert panel. Criteria: ClinGen PAH ACMG Specifications v1. Collection method: curation. Allele origin: germline. Inheritance: Autosomal recessive inheritance.
Comment: PAH-specific ACMG/AMP criteria applied: PM2: Extremely low in ExAC and 1000 genomes (PMID:9860305); PS3: PAH activity in COS cell expression system 15% (PMID:9860305); PM3: Compound het with severe mutation (PMID:9860305); PP3: ; PP4: Reported in patient with classic PKU (PMID:9860305). In summary this variant meets criteria to be classified as pathogenic for phenylketonuria in an autosomal recessive manner based on the ACMG/AMP criteria applied as specified by the PAH Expert Panel: (PM2, PS3, PM3, PP3, PP4).

OLLIN Analises Genomicas, OLLIN
Classification: Pathogenic for Phenylketonuria. Last evaluated: 2026-08-06. Review status: criteria provided, single submitter. Criteria: ACMG Guidelines 2015 PMID 25741868. Collection method: clinical testing. Allele origin: germline. Inheritance: Autosomal recessive inheritance. Not counted in ClinVar's aggregate classification.
Comment: This missense variant, located in exon 11 (of 13), has been reported in ClinVar (accession VCV000000619.101), in gnomAD with an allele frequency of 0.0037%, and in the scientific literature, in compound heterozygosity, in individuals with PAH related disorders (PMID: 30311390, 9860305, 21147011, 25596310). Functional studies suggest that this variant may affect protein function, and in silico analysis predicts a deleterious effect (PMID: 30311390). Another pathogenic variant affecting the same amino acid residue has been reported (PMID: 9860305, 21147011, 25596310). According to the currently available evidence, this variant has been classified as pathogenic (PS3_P, PM2_P, PM3_VS, PM5, PP3_M, PP4_M).

Dasa
Classification: Pathogenic. Last evaluated: 2026-04-09. Review status: criteria provided, single submitter. Criteria: DASA Assertion Criteria. Collection method: clinical testing. Allele origin: germline. Not counted in ClinVar's aggregate classification.
Comment: NM_000277.3(PAH):c.1162G>A (p.Val388Met) is a missense variant that results in the substitution of valine with methionine. The affected residue or protein region has prior evidence supporting clinical relevance. This variant has been observed in affected individuals with related phenotype in a genotype context consistent with recessive disease (PMID: 9860305; PMID: 19036622; PMID: 21953985; PMID: 23932990; PMID: 23500595). Functional evidence supports a deleterious effect on the gene or gene product (PMID: 9860305; PMID: 19036622; PMID: 21953985; PMID: 23932990; PMID: 23500595). This variant has been recurrently observed in individuals with related phenotype (PMID: 9860305; PMID: 19036622; PMID: 21953985; PMID: 23932990; PMID: 23500595). Multiple computational predictions support a deleterious effect on the gene or gene product. The variant is present at low frequency in population datasets. Based on the available data, this variant is classified as pathogenic.

Labcorp Genetics (formerly Invitae), Labcorp
Classification: Pathogenic for Phenylketonuria. Last evaluated: 2025-12-30. Review status: criteria provided, single submitter. Criteria: Invitae Variant Classification Sherloc (09022015). Collection method: clinical testing. Allele origin: germline. Not counted in ClinVar's aggregate classification.
Comment: This sequence change replaces valine, which is neutral and non-polar, with methionine, which is neutral and non-polar, at codon 388 of the PAH protein (p.Val388Met). This variant is present in population databases (rs62516101, gnomAD 0.05%). This missense change has been observed in individual(s) with PKU (PMID: 7581408, 12655544, 17935162, 23500595, 23932990; internal data). In at least one individual the data is consistent with being in trans (on the opposite chromosome) from a pathogenic variant. It is commonly reported in individuals of Spain and Portugal ancestry (PMID: 7581408, 7668259, 12655544, 17935162, 23500595, 23932990; internal data). ClinVar contains an entry for this variant (Variation ID: 619). Invitae Evidence Modeling of protein sequence and biophysical properties (such as structural, functional, and spatial information, amino acid conservation, physicochemical variation, residue mobility, and thermodynamic stability) indicates that this missense variant is expected to disrupt PAH protein function with a positive predictive value of 80%. Experimental studies have shown that this missense change affects PAH function (PMID: 19036622, 21953985). For these reasons, this variant has been classified as Pathogenic.

Natera, Inc.
Classification: Pathogenic for Phenylketonuria. Last evaluated: 2025-12-03. Review status: criteria provided, single submitter. Criteria: Natera Variant Classification Schema (03/2026). Collection method: clinical testing. Allele origin: germline. Not counted in ClinVar's aggregate classification.
Comment: The c.1162G>A variant in PAH is a missense variant predicted to cause substitution of valine to methionine at amino acid 388. This variant is rare in the general population with a frequency below the threshold expected for the associated phenotype(s). Computational prediction algorithms indicate this variant is likely to affect gene or protein function. Given the available evidence, this variant is classified as Pathogenic.

Genomic Medicine Center of Excellence, King Faisal Specialist Hospital and Research Centre
Classification: Pathogenic for Phenylketonuria. Last evaluated: 2024-09-22. Review status: criteria provided, single submitter. Criteria: ACMG Guidelines, 2015. Collection method: clinical testing. Allele origin: germline. Not counted in ClinVar's aggregate classification.

Blueprint Genetics
Classification: Pathogenic for PAH-related disorders. Last evaluated: 2023-02-24. Review status: criteria provided, single submitter. Criteria: ACMG Guidelines, 2015. Collection method: clinical testing. Allele origin: germline. Affected: yes. Observed: 5 variant alleles. Not counted in ClinVar's aggregate classification.

Revvity Omics, Revvity
Classification: Pathogenic for Phenylketonuria. Last evaluated: 2022-09-09. Review status: criteria provided, single submitter. Criteria: ACMG Guidelines, 2015. Collection method: clinical testing. Allele origin: germline. Not counted in ClinVar's aggregate classification.

3billion
Classification: Pathogenic for Phenylketonuria. Last evaluated: 2022-03-22. Review status: criteria provided, single submitter. Criteria: ACMG Guidelines, 2015. Collection method: clinical testing. Allele origin: germline. Affected: yes. Observed: 1 heterozygote. Not counted in ClinVar's aggregate classification.
Comment: Same or different nucleotide change resulting in same amino acid change has been previously reported as pathogenic/likely pathogenic with strong evidence (ClinVar ID: VCV000000619, PMID:8406445). The variant has been reported to be in trans with a pathogenic variant as either compound heterozygous or homozygous in at least one similarly affected unrelated individual(PMID: 9860305). Functional studies provide strong evidence of the variant having a damaging effect on the gene or gene product (PMID: 9860305). A different missense change at the same codon has been reported as pathogenic/likely pathogenic with strong evidence (ClinVar ID: VCV000102541,VCV000120260, PMID:26666653,9452061). In silico tool predictions suggest damaging effect of the variant on gene or gene product (REVEL: 0.862>=0.6, 3CNET: 0.99>=0.75). It is observed at an extremely low frequency in the gnomAD v2.1.1 dataset (total allele frequency: 0.0000992). Therefore, this variant is classified as pathogenic according to the recommendation of ACMG/AMP guideline.

Fulgent Genetics
Classification: Pathogenic for Phenylketonuria. Last evaluated: 2021-08-09. Review status: criteria provided, single submitter. Criteria: ACMG Guidelines, 2015. Collection method: clinical testing. Allele origin: unknown. Not counted in ClinVar's aggregate classification.

Quest Diagnostics Nichols Institute San Juan Capistrano
Classification: Pathogenic. Last evaluated: 2021-04-12. Review status: criteria provided, single submitter. Criteria: Quest Diagnostics criteria. Collection method: clinical testing. Allele origin: unknown. Not counted in ClinVar's aggregate classification.
Comment: Functional studies in the published literature indicate the variant exhibited 12-43% of normal enzyme activity (PMID: 7668259 (1995), 25596310 (2015), 24401910 (2014), 10767175 (2000), and is associated with a milder phenotype of PKU responsive to BH4 (PMID: 16504182 (2006), 17935162 (2008)). Based on the available information, the variant is classified as pathogenic.

NM_000277.3(PAH):c.1162G>A (p.Val388Met)

Gene: PAH (phenylalanine hydroxylase; minus strand). Cytogenetic location: 12q23.2.
Variant type: single nucleotide variant.
Coding change: c.1162G>A on transcript NM_000277.3 (MANE Select); coding-DNA position 1162, G replaced by A.
Protein change: p.Val388Met; replaces valine 388 with methionine.
Molecular consequence: missense variant.
Genome position (GRCh38, 1-based): chr12:102,843,683, C>T on the plus strand (G>A on the coding strand, the complement: PAH is on the minus strand). VCF-style: chr12-102843683-C-T. GRCh37 (hg19) VCF-style: chr12-103237461-C-T.
Other names: NM_000277.1(PAH):c.1162G>A; c.1162G>A, p.Val388Met (NM_001354304.2); c.1162G>A (NM_000277.2); short protein forms V388M.
Identifiers: ClinVar variation 619 (VCV000000619.104), dbSNP rs62516101, ClinGen allele CA251543.